The following is an entry in ClinVar:

NM_053025.4(MYLK):c.3817A>G (p.Lys1273Glu)

Gene: MYLK (myosin light chain kinase; minus strand). Cytogenetic location: 3q21.1.
Variant type: single nucleotide variant.
Coding change: c.3817A>G on transcript NM_053025.4 (MANE Select); coding-DNA position 3817, A replaced by G.
Protein change: p.Lys1273Glu; replaces lysine 1273 with glutamic acid.
Molecular consequence: missense variant.
Genome position (GRCh38, 1-based): chr3:123,666,233, T>C on the plus strand (A>G on the coding strand, the complement: MYLK is on the minus strand). VCF-style: chr3-123666233-T-C. GRCh37 (hg19) VCF-style: chr3-123385080-T-C.
Other names: c.3289A>G, p.Lys1097Glu (NM_001321309.2); c.3610A>G, p.Lys1204Glu (NM_053026.4, NM_053028.4); c.3817A>G, p.Lys1273Glu (NM_053027.4); short protein forms K1097E, K1204E, K1273E.
Identifiers: ClinVar variation 3342813 (VCV003342813.1).

ClinVar aggregate classification (germline): Uncertain significance (1 of 4 stars; one submission).

Submission:

GeneDx
Classification: Uncertain significance. Last evaluated: 2024-02-22. Review status: criteria provided, single submitter. Criteria: GeneDx Variant Classification Process June 2021. Collection method: clinical testing. Allele origin: germline. Affected: yes.
Comment: Has not been previously published as pathogenic or benign to our knowledge; Not observed at significant frequency in large population cohorts (gnomAD); In silico analysis supports that this missense variant has a deleterious effect on protein structure/function